The following is an entry in ClinVar:

NM_005215.4(DCC):c.2227A>T (p.Met743Leu)

Gene: DCC (DCC netrin 1 receptor; plus strand). Cytogenetic location: 18q21.2.
Variant type: single nucleotide variant.
Coding change: c.2227A>T on transcript NM_005215.4 (MANE Select); coding-DNA position 2227, A replaced by T.
Protein change: p.Met743Leu; replaces methionine 743 with leucine.
Molecular consequence: missense variant.
Genome position (GRCh38, 1-based): chr18:53,339,775, A>T. VCF-style: chr18-53339775-A-T. GRCh37 (hg19) VCF-style: chr18-50866145-A-T.
Other names: short protein forms M743L.
Identifiers: ClinVar variation 375285 (VCV000375285.2), dbSNP rs199651452, ClinGen allele CA16044033.

ClinVar aggregate classification (germline): Uncertain significance. Review status: criteria provided, single submitter (1 of 4 stars). 2 submissions from 2 submitters: Uncertain significance (1). 1 of the submissions does not count toward it. Last evaluated 2023-12-21.

Conditions:
Corpus callosum, agenesis of. Also called: Agenesis of the corpus callosum; Isolated corpus callosum agenesis; Corpus callosum agenesis; Mental retardation hypoplastic corpus callosum preauricular tag; Da silva syndrome. Identifiers: Orphanet 200, MedGen C0175754, MONDO:0009022, OMIM 217990, HP:0001274.
Mirror movements 1 (MRMV1). Identifiers: Orphanet 238722, MedGen C1834870, OMIM 157600, MONDO:0008002.

Allele frequency attached by ClinVar (database versions not stated): gnomAD exomes below 0.00001 and 0.00001.
gnomAD v4.1: 16 of 1,613,968 alleles (0.00099%); highest among the groups gnomAD compares: Non-Finnish European, 0.0014%; no homozygotes.

Submissions (2):

Victorian Clinical Genetics Services, Murdoch Childrens Research Institute
Classification: Uncertain significance for Mirror movements 1. Last evaluated: 2023-12-21. Review status: criteria provided, single submitter. Criteria: ACMG Guidelines, 2015. Collection method: clinical testing. Allele origin: germline. Inheritance: Autosomal dominant inheritance. Affected: yes.
Comment: Based on the classification scheme VCGS_Germline_v1.3.4, this variant is classified as VUS-3B. Following criteria are met: 0102 - Loss of function is a known mechanism of disease in this gene and is associated with gaze palsy, familial horizontal, with progressive scoliosis, 2 (MIM#617542) and mirror movements 1 and/or agenesis of the corpus callosum (MIM#157600). (I) 0108 - This gene is associated with both recessive and dominant disease. Biallelic loss of function variants cause autosomal recessive gaze palsy, familial horizontal, with progressive scoliosis, 2 (MIM#617542) while monoallelic loss of function variants cause the less severe autosomal dominant mirror movements 1 and/or agenesis of the corpus callosum (MIM#157600; PMIDs: 33141514, 31697046). (I) 0112 - The condition associated with this gene has incomplete penetrance. The penetrance for mirror movements is estimated to be approximately 42% (PMID: 25763452) while agenesis of the corpus callosum is 26% (OMIM). (I) 0115 - Variants in this gene are known to have variable expressivity. Intrafamilial variability has been reported for autosomal dominant mirror movements 1 and/or agenesis of the corpus callosum (MIM#157600). (I) 0200 - Variant is predicted to result in a missense amino acid change from methionine to leucine. (I) 0251 - This variant is heterozygous. (I) 0304 - Variant is present in gnomAD (v2) <0.01 (1 heterozygote, 0 homozygotes). (SP) 0503 - Missense variant consistently predicted to be tolerated by multiple in silico tools or not conserved in placental mammals with a minor amino acid change. (SB) 0600 - Variant is located in the annotated fibronectin type III domain (DECIPHER). (I) 0705 - No comparable missense variants have previous evidence for pathogenicity. (I) 0808 - Previous reports of pathogenicity for this variant are conflicting. This variant has been reported as paternally inherited in a heterozygous individual with isolated agenesis of the corpus callosum, however, the father had not had an MRI (PMID: 28250454). Additionally, this variant was classified as likely benign (PMID: 29366874). (I) 1002 - This variant has moderate functional evidence supporting abnormal protein function. Transfected HEK293 and COS-7 cells demonstrated a significant difference in cell area and an inability to modulate cell morphology in the presence of NTN1 (PMID: 33871356). (SP) 1208 - Inheritance information for this variant is not currently available in this individual. (I) Legend: (SP) - Supporting pathogenic, (I) - Information, (SB) - Supporting benign

Neurogenetics Research; Murdoch Childrens Research Institute
Classification: Pathogenic for Corpus callosum, agenesis of. Last evaluated: 2016-01-01. Review status: no assertion criteria provided. Collection method: research. Allele origin: germline. Affected: yes. Not counted in ClinVar's aggregate classification.
Comment: Mutations in DCC can cause either agenesis of the corpus callosum, mirror movements or both phenotypes

Literature cited by the submitters: PubMed 25763452 (cited by Victorian Clinical Genetics Services, Murdoch Childrens Research Institute); PubMed 28250454 (cited by Victorian Clinical Genetics Services, Murdoch Childrens Research Institute); PubMed 29366874 (cited by Victorian Clinical Genetics Services, Murdoch Childrens Research Institute); PubMed 31697046 (cited by Victorian Clinical Genetics Services, Murdoch Childrens Research Institute); PubMed 33141514 (cited by Victorian Clinical Genetics Services, Murdoch Childrens Research Institute); PubMed 33871356 (cited by Victorian Clinical Genetics Services, Murdoch Childrens Research Institute).